The following is an entry in ClinVar:

NM_025074.7(FRAS1):c.11920C>T (p.Arg3974Trp)

Gene: FRAS1 (Fraser extracellular matrix complex subunit 1; plus strand). Cytogenetic location: 4q21.21.
Variant type: single nucleotide variant.
Coding change: c.11920C>T on transcript NM_025074.7 (MANE Select); coding-DNA position 11920, C replaced by T.
Protein change: p.Arg3974Trp; replaces arginine 3974 with tryptophan.
Molecular consequence: missense variant.
Genome position (GRCh38, 1-based): chr4:78,541,005, C>T. VCF-style: chr4-78541005-C-T. GRCh37 (hg19) VCF-style: chr4-79462159-C-T.
Other names: short protein forms R3974W.
Identifiers: ClinVar variation 349822 (VCV000349822.11), dbSNP rs759074187, ClinGen allele CA2979333.

ClinVar aggregate classification (germline): Uncertain significance. Review status: criteria provided, multiple submitters, no conflicts (2 of 4 stars). 4 submissions from 4 submitters: Uncertain significance (4). Last evaluated 2024-10-17.

Conditions:
Fraser syndrome 1 (FRASRS1). Also called: CRYPTOPHTHALMOS WITH OTHER MALFORMATIONS. Identifiers: Orphanet 2052, MedGen C4551480, MONDO:0054737, OMIM 219000.
Inborn genetic diseases. Identifiers: MedGen C0950123, MeSH D030342.

Allele frequency attached by ClinVar (database versions not stated): ExAC 0.00001; gnomAD exomes 0.00001 and 0.00004; TOPMed 0.00001; gnomAD 0.00003.
gnomAD v4.1: 54 of 1,565,436 alleles (0.0034%); highest among the groups gnomAD compares: Non-Finnish European, 0.0044%; no homozygotes.

Submissions (4):

Labcorp Genetics (formerly Invitae), Labcorp
Classification: Uncertain significance. Last evaluated: 2024-10-17. Review status: criteria provided, single submitter. Criteria: Invitae Variant Classification Sherloc (09022015). Collection method: clinical testing. Allele origin: germline.
Comment: This sequence change replaces arginine, which is basic and polar, with tryptophan, which is neutral and slightly polar, at codon 3974 of the FRAS1 protein (p.Arg3974Trp). This variant is present in population databases (rs759074187, gnomAD 0.003%). This variant has not been reported in the literature in individuals affected with FRAS1-related conditions. ClinVar contains an entry for this variant (Variation ID: 349822). An algorithm developed to predict the effect of missense changes on protein structure and function (PolyPhen-2) suggests that this variant is likely to be disruptive. In summary, the available evidence is currently insufficient to determine the role of this variant in disease. Therefore, it has been classified as a Variant of Uncertain Significance.

Ambry Genetics
Classification: Uncertain significance for Inborn genetic diseases. Last evaluated: 2024-01-22. Review status: criteria provided, single submitter. Criteria: Ambry Variant Classification Scheme 2023. Collection method: clinical testing. Allele origin: germline.

Fulgent Genetics
Classification: Uncertain significance for Fraser syndrome 1. Last evaluated: 2022-02-17. Review status: criteria provided, single submitter. Criteria: ACMG Guidelines, 2015. Collection method: clinical testing. Allele origin: unknown.

Illumina Laboratory Services, Illumina
Classification: Uncertain significance for Fraser syndrome 1. Last evaluated: 2018-01-12. Review status: criteria provided, single submitter. Criteria: ICSL Variant Classification Criteria 13 December 2019. Collection method: clinical testing. Allele origin: germline.